The following is an entry in ClinVar:

NM_000209.4(PDX1):c.140C>T (p.Pro47Leu)

Gene: PDX1 (pancreatic and duodenal homeobox 1; plus strand). Cytogenetic location: 13q12.2.
Variant type: single nucleotide variant.
Coding change: c.140C>T on transcript NM_000209.4 (MANE Select); coding-DNA position 140, C replaced by T.
Protein change: p.Pro47Leu; replaces proline 47 with leucine.
Molecular consequence: missense variant.
Genome position (GRCh38, 1-based): chr13:27,920,278, C>T. VCF-style: chr13-27920278-C-T. GRCh37 (hg19) VCF-style: chr13-28494415-C-T.
Other names: short protein forms P47L.
Identifiers: ClinVar variation 2776315 (VCV002776315.3), dbSNP rs1396765674, ClinGen allele CA387643991.

ClinVar aggregate classification (germline): Uncertain significance (1 of 4 stars; one submission).

Allele frequency attached by ClinVar (database versions not stated): gnomAD exomes below 0.00001.

Submission:

Labcorp Genetics (formerly Invitae), Labcorp
Classification: Uncertain significance. Last evaluated: 2023-03-02. Review status: criteria provided, single submitter. Criteria: Invitae Variant Classification Sherloc (09022015). Collection method: clinical testing. Allele origin: germline.
Comment: In summary, the available evidence is currently insufficient to determine the role of this variant in disease. Therefore, it has been classified as a Variant of Uncertain Significance. Advanced modeling of protein sequence and biophysical properties (such as structural, functional, and spatial information, amino acid conservation, physicochemical variation, residue mobility, and thermodynamic stability) performed at Invitae indicates that this missense variant is not expected to disrupt PDX1 protein function. This variant has not been reported in the literature in individuals affected with PDX1-related conditions. This variant is present in population databases (no rsID available, gnomAD 0.004%). This sequence change replaces proline, which is neutral and non-polar, with leucine, which is neutral and non-polar, at codon 47 of the PDX1 protein (p.Pro47Leu).